The following is an entry in ClinVar:

ClinVar aggregate classification (germline): Uncertain significance (1 of 4 stars; one submission).

Conditions:
Cardiovascular phenotype. Identifiers: MedGen CN230736.

Submission:

Ambry Genetics
Classification: Uncertain significance for Cardiovascular phenotype. Last evaluated: 2026-03-21. Review status: criteria provided, single submitter. Criteria: Ambry Variant Classification Scheme 2023. Collection method: clinical testing. Allele origin: germline.
Comment: The p.Q3230P variant (also known as c.9689A>C), located in coding exon 2 of the ZNF469 gene, results from an A to C substitution at nucleotide position 9689. The glutamine at codon 3230 is replaced by proline, an amino acid with similar properties. This amino acid position is conserved. In addition, this alteration is predicted to be tolerated by in silico analysis. Based on the available evidence, the clinical significance of this variant remains unclear.

NM_001367624.2(ZNF469):c.9773A>C (p.Gln3258Pro)

Gene: ZNF469 (zinc finger protein 469; plus strand). Cytogenetic location: 16q24.2.
Variant type: single nucleotide variant.
Coding change: c.9773A>C on transcript NM_001367624.2 (MANE Select); coding-DNA position 9773, A replaced by C.
Protein change: p.Gln3258Pro; replaces glutamine 3258 with proline.
Molecular consequence: missense variant.
Genome position (GRCh38, 1-based): chr16:88,437,243, A>C. VCF-style: chr16-88437243-A-C. GRCh37 (hg19) VCF-style: chr16-88503651-A-C.
Other names: NM_001127464.1:c.9689A>C; short protein forms Q3258P.
Identifiers: ClinVar variation 4866965 (VCV004866965.1).